The following is an entry in ClinVar:

ClinVar aggregate classification (germline): Uncertain significance (1 of 4 stars; one submission).

gnomAD v4.1: 1 of 1,614,206 alleles (0.000062%); highest among the groups gnomAD compares: South Asian, 0.0011%; no homozygotes.

Submission:

Labcorp Genetics (formerly Invitae), Labcorp
Classification: Uncertain significance. Last evaluated: 2025-06-27. Review status: criteria provided, single submitter. Criteria: Invitae Variant Classification Sherloc (09022015). Collection method: clinical testing. Allele origin: germline.
Comment: This sequence change replaces glutamine, which is neutral and polar, with proline, which is neutral and non-polar, at codon 2190 of the ABCA4 protein (p.Gln2190Pro). This variant is not present in population databases (gnomAD no frequency). This variant has not been reported in the literature in individuals affected with ABCA4-related conditions. Invitae Evidence Modeling of protein sequence and biophysical properties (such as structural, functional, and spatial information, amino acid conservation, physicochemical variation, residue mobility, and thermodynamic stability) indicates that this missense variant is expected to disrupt ABCA4 protein function with a positive predictive value of 95%. In summary, the available evidence is currently insufficient to determine the role of this variant in disease. Therefore, it has been classified as a Variant of Uncertain Significance.

NM_000350.3(ABCA4):c.6569A>C (p.Gln2190Pro)

Gene: ABCA4 (ATP binding cassette subfamily A member 4; minus strand). Cytogenetic location: 1p22.1.
Variant type: single nucleotide variant.
Coding change: c.6569A>C on transcript NM_000350.3 (MANE Select); coding-DNA position 6569, A replaced by C.
Protein change: p.Gln2190Pro; replaces glutamine 2190 with proline.
Molecular consequence: missense variant.
Genome position (GRCh38, 1-based): chr1:93,998,021, T>G on the plus strand (A>C on the coding strand, the complement: ABCA4 is on the minus strand). VCF-style: chr1-93998021-T-G. GRCh37 (hg19) VCF-style: chr1-94463577-T-G.
Other names: c.6347A>C, p.Gln2116Pro (NM_001425324.1); short protein forms Q2116P, Q2190P.
Identifiers: ClinVar variation 4745890 (VCV004745890.1).